The following is an entry in ClinVar:

ClinVar aggregate classification (germline): Pathogenic (1 of 4 stars; one submission).

Conditions:
Autosomal recessive limb-girdle muscular dystrophy type 2F (LGMDR6). Also called: MUSCULAR DYSTROPHY, LIMB-GIRDLE, AUTOSOMAL RECESSIVE 6; Muscular dystrophy limb-girdle with delta-sarcoglyan deficiency. Identifiers: Orphanet 219, MedGen C1832525, MONDO:0011028, OMIM 601287. Disease mechanism: Affects gamma-sarcoglycan and also disrupts the integrity of the entire sarcoglycan complex..

Submission:

Labcorp Genetics (formerly Invitae), Labcorp
Classification: Pathogenic for Autosomal recessive limb-girdle muscular dystrophy type 2F. Last evaluated: 2025-09-24. Review status: criteria provided, single submitter. Criteria: Invitae Variant Classification Sherloc (09022015). Collection method: clinical testing. Allele origin: germline.
Comment: This sequence change creates a premature translational stop signal (p.Trp30*) in the SGCD gene. It is expected to result in an absent or disrupted protein product. Loss-of-function variants in SGCD are known to be pathogenic (PMID: 8841194, 10735275, 10838250). This variant is not present in population databases (gnomAD no frequency). This premature translational stop signal has been observed in individual(s) with clinical features of muscular dystrophy (PMID: 10735275). ClinVar contains an entry for this variant (Variation ID: 1977494). For these reasons, this variant has been classified as Pathogenic.

Literature cited by the submitters: PubMed 8841194; PubMed 10735275; PubMed 10838250.

NM_000337.6(SGCD):c.90G>A (p.Trp30Ter)

Gene: SGCD (sarcoglycan delta; plus strand). Cytogenetic location: 5q33.3.
Variant type: single nucleotide variant.
Coding change: c.90G>A on transcript NM_000337.6 (MANE Select); coding-DNA position 90, G replaced by A.
Protein change: p.Trp30Ter; replaces tryptophan 30 with a stop codon.
Molecular consequence: nonsense.
Genome position (GRCh38, 1-based): chr5:156,344,575, G>A. VCF-style: chr5-156344575-G-A. GRCh37 (hg19) VCF-style: chr5-155771585-G-A.
Other names: c.87G>A, p.Trp29Ter (NM_001128209.2); c.90G>A, p.Trp30Ter (NM_172244.3); short protein forms W30*, W29*.
Identifiers: ClinVar variation 1977494 (VCV001977494.5), dbSNP rs2481653253, ClinGen allele CA362007673.
Genomic context (GRCh38, chr5:156,344,575, plus strand): 5'-CCGGAGCACCATGCCTGGCTCTGTGGGGCCACAGGTATACAAGGTGGGGATTTATGGCTG[G>A]CGGAAACGATGCCTGTATTTCTTTGTCCTGCTCCTCATGATTTTAATACTGGTGAACTTG-3'